The following is an entry in ClinVar:

NM_033419.5(PGAP3):c.856A>G (p.Ile286Val)

Gene: PGAP3 (post-GPI attachment to proteins phospholipase 3; minus strand). Cytogenetic location: 17q12.
Variant type: single nucleotide variant.
Coding change: c.856A>G on transcript NM_033419.5 (MANE Select); coding-DNA position 856, A replaced by G.
Protein change: p.Ile286Val; replaces isoleucine 286 with valine.
Molecular consequence: missense variant. On other transcripts: intron variant (3).
Genome position (GRCh38, 1-based): chr17:39,673,094, T>C on the plus strand (A>G on the coding strand, the complement: PGAP3 is on the minus strand). VCF-style: chr17-39673094-T-C. GRCh37 (hg19) VCF-style: chr17-37829347-T-C.
Other names: c.703A>G, p.Ile235Val (NM_001291726.2); c.793A>G, p.Ile265Val (NM_001291728.2); c.433-228A>G (NM_001291733.2); c.495-228A>G (NM_001291732.2); c.558-228A>G (NM_001291730.2); short protein forms I235V, I265V, I286V.
Identifiers: ClinVar variation 1695761 (VCV001695761.3), dbSNP rs760923040, ClinGen allele CA8533221.
Genomic context (GRCh38, chr17:39,673,094, plus strand): 5'-CAGGGGGCAGCACCCACCTGAAAAAGAGGACGTGGACAGGGATGGTGCTGATGTGCCAGA[T>C]GGCATGGGCATCCAGGACCCAGAAGAGCGGTGGGAAGTCAAGCAGCTCGAGCAGGGACAG-3'
Protein context (NP_219487.3, residues 276-296): PLFWVLDAHA[Ile286Val]WHISTIPVHV

ClinVar aggregate classification (germline): Uncertain significance. Review status: criteria provided, multiple submitters, no conflicts (2 of 4 stars). 2 submissions from 2 submitters: Uncertain significance (2). Last evaluated 2022-01-09.

Conditions:
Hyperphosphatasia with impaired intellectual development syndrome 4. Also called: Hyperphosphatasia with intellectual disability syndrome 4; GLYCOSYLPHOSPHATIDYLINOSITOL BIOSYNTHESIS DEFECT 10. Identifiers: Orphanet 247262, MedGen C3810354, MONDO:0014318, OMIM 615716.

Allele frequency attached by ClinVar (database versions not stated): gnomAD exomes 0.00001 and 0.00003; TOPMed 0.00002; ExAC 0.00003; gnomAD 0.00003.
gnomAD v4.1: 44 of 1,609,388 alleles (0.0027%); highest among the groups gnomAD compares: Non-Finnish European, 0.0035%; no homozygotes.

Submissions (2):

GeneDx
Classification: Uncertain significance. Last evaluated: 2022-01-09. Review status: criteria provided, single submitter. Criteria: GeneDx Variant Classification Process June 2021. Collection method: clinical testing. Allele origin: germline. Affected: yes.
Comment: Has not been previously published as pathogenic or benign to our knowledge; Not observed at significant frequency in large population cohorts (gnomAD); In silico analysis supports that this missense variant does not alter protein structure/function

Victorian Clinical Genetics Services, Murdoch Childrens Research Institute
Classification: Uncertain significance for Hyperphosphatasia with impaired intellectual development syndrome 4. Last evaluated: 2020-05-25. Review status: criteria provided, single submitter. Criteria: ACMG Guidelines, 2015. Collection method: clinical testing. Allele origin: germline. Inheritance: Autosomal recessive inheritance.
Comment: A heterozygous missense variant was identified, NM_033419.4(PGAP3):c.856A>G in exon 7 of the PGAP3 gene (NB: this variant is non-coding in alternative transcripts). This substitution is predicted to create a minor amino acid change from an isoleucine to a valine at position 286 of the protein; NP_219487.3(PGAP3):p.(Ile286Val). The isoleucine at this position has low conservation (100 vertebrates, UCSC), and is located within the Per1-like family domain (NCBI, PDB). In silico software predicts this variant to be tolerated (PolyPhen2, PROVEAN, MutationAssessor). The variant is present in the gnomAD population database at a frequency of 0.0012% (3 heterozygotes, 0 homozygotes). This variant has not previously been reported in clinical cases. Based on information available at the time of curation, this variant has been classified as a VUS with LOW CLINICAL RELEVANCE.